The following is an entry in ClinVar:

NM_198904.4(GABRG2):c.13A>T (p.Asn5Tyr)

Gene: GABRG2 (gamma-aminobutyric acid type A receptor subunit gamma2; plus strand). Cytogenetic location: 5q34.
Variant type: single nucleotide variant.
Coding change: c.13A>T on transcript NM_198904.4 (MANE Select); coding-DNA position 13, A replaced by T.
Protein change: p.Asn5Tyr; replaces asparagine 5 with tyrosine.
Molecular consequence: missense variant. On other transcripts: 5 prime UTR variant (3), intron variant (3).
Genome position (GRCh38, 1-based): chr5:162,068,012, A>T. VCF-style: chr5-162068012-A-T. GRCh37 (hg19) VCF-style: chr5-161495018-A-T.
Other names: p.N5Y:AAT>TAT; c.13A>T, p.Asn5Tyr (NM_001375339.1, NM_001375340.1, NM_001375341.1 and 5 more transcripts); c.-346A>T (NM_001375348.1, NM_001375350.1); c.-394A>T (NM_001375349.1); c.-3-51A>T (NM_001375346.1, NM_001375345.1); c.20+371A>T (NM_001375347.1); short protein forms N5Y.
Identifiers: ClinVar variation 205558 (VCV000205558.3), dbSNP rs774337016, ClinGen allele CA314759.

ClinVar aggregate classification (germline): Uncertain significance (1 of 4 stars; one submission).

Allele frequency attached by ClinVar (database versions not stated): ExAC 0.00001; gnomAD exomes below 0.00001.
gnomAD v4.1: 1 of 1,612,966 alleles (0.000062%); highest among the groups gnomAD compares: African/African-American, 0.0013%; no homozygotes.

Submission:

GeneDx
Classification: Uncertain significance. Last evaluated: 2020-04-10. Review status: criteria provided, single submitter. Criteria: GeneDx Variant Classification Process June 2021. Collection method: clinical testing. Allele origin: germline. Affected: yes.
Comment: Not observed at a significant frequency in large population cohorts (Lek et al., 2016); In silico analysis supports that this missense variant does not alter protein structure/function; Has not been previously published as pathogenic or benign to our knowledge